The following is an entry in ClinVar:

NM_001083962.2(TCF4):c.1681del (p.Gln561fs)

Gene: TCF4 (transcription factor 4; minus strand). Cytogenetic location: 18q21.2.
Variant type: Deletion.
Coding change: c.1681del on transcript NM_001083962.2 (MANE Select); coding-DNA position 1681, one base deleted (C; older notation c.1681delC).
Protein change: p.Gln561fs; shifts the reading frame from glutamine 561.
Molecular consequence: frameshift variant.
Genome position (GRCh38, 1-based): chr18:55,229,045, G deleted on the plus strand (C on the coding strand, the reverse complement: TCF4 is on the minus strand). VCF-style (leftmost placement, unchanged base first): chr18-55229044-TG-T. GRCh37 (hg19) VCF-style: chr18-52896275-TG-T.
Other names: c.1987del, p.Gln663fs (NM_001243226.3); c.1609del, p.Gln537fs (NM_001243227.2, NM_001348217.1, NM_001348218.2 and 1 more transcripts); c.1699del, p.Gln567fs (NM_001243228.2); c.1660del, p.Gln554fs (NM_001243230.2); c.1543del, p.Gln515fs (NM_001243231.2); c.1468del, p.Gln490fs (NM_001243232.1); c.1279del, p.Gln427fs (NM_001243233.2, NM_001348212.2); c.1201del, p.Gln401fs (NM_001243234.2, NM_001348216.2); and 14 more; short protein forms Q401fs, Q427fs, Q515fs, Q519fs, Q532fs, Q397fs, Q533fs, Q538fs.
Identifiers: ClinVar variation 936054 (VCV000936054.7), dbSNP rs2047128609, ClinGen allele CA1139666126.

ClinVar aggregate classification (germline): Pathogenic (1 of 4 stars; one submission).

Conditions:
Pitt-Hopkins syndrome (PTHS). Also called: ENCEPHALOPATHY, SEVERE EPILEPTIC, WITH AUTONOMIC DYSFUNCTION; MENTAL RETARDATION, SYNDROMAL, WITH INTERMITTENT HYPERVENTILATION. Identifiers: Orphanet 2896, MedGen C1970431, MONDO:0012589, OMIM 610954.

Submission:

Labcorp Genetics (formerly Invitae), Labcorp
Classification: Pathogenic for Pitt-Hopkins syndrome. Last evaluated: 2019-10-16. Review status: criteria provided, single submitter. Criteria: Invitae Variant Classification Sherloc (09022015). Collection method: clinical testing. Allele origin: germline.
Comment: This sequence change creates a premature translational stop signal (p.Gln561Argfs*49) in the TCF4 gene. It is expected to result in an absent or disrupted protein product. For these reasons, this variant has been classified as Pathogenic. Loss-of-function variants in TCF4 are known to be pathogenic (PMID: 18728071, 22045651). This variant has not been reported in the literature in individuals with TCF4-related conditions. This variant is not present in population databases (ExAC no frequency).

Literature cited by the submitters: PubMed 18728071; PubMed 22045651.